The following is an entry in ClinVar:

NM_015001.3(SPEN):c.9979G>A (p.Ala3327Thr)

Gene: SPEN (spen family transcriptional repressor; plus strand). Cytogenetic location: 1p36.13.
Variant type: single nucleotide variant.
Coding change: c.9979G>A on transcript NM_015001.3 (MANE Select); coding-DNA position 9979, G replaced by A.
Protein change: p.Ala3327Thr; replaces alanine 3327 with threonine.
Molecular consequence: missense variant.
Genome position (GRCh38, 1-based): chr1:15,936,219, G>A. VCF-style: chr1-15936219-G-A. GRCh37 (hg19) VCF-style: chr1-16262714-G-A.
Other names: short protein forms A3327T.
Identifiers: ClinVar variation 2629281 (VCV002629281.3), dbSNP rs1022457753, ClinGen allele CA18283697.
Genomic context (GRCh38, chr1:15,936,219, plus strand): 5'-CGGTACGGCGACATCCGCACCTACCACCCCCCGGCCCAGCTCACACACACTCAGTTTCCC[G>A]CCGCTTCCTCTGTTGGCCTGCCTTCCCGGACCAAGACAGCTGCTCAGGTGAGCCAGCCAG-3'
Protein context (NP_055816.2, residues 3317-3337): PAQLTHTQFP[Ala3327Thr]ASSVGLPSRT

ClinVar aggregate classification (germline): Uncertain significance. Review status: criteria provided, multiple submitters, no conflicts (2 of 4 stars). 2 submissions from 2 submitters: Uncertain significance (2). Last evaluated 2025-10-15.

Conditions:
Inborn genetic diseases. Identifiers: MedGen C0950123, MeSH D030342.
SPEN-related disorder. Also called: SPEN-related condition.

Allele frequency attached by ClinVar (database versions not stated): gnomAD exomes 0.00001; gnomAD 0.00003.
gnomAD v4.1: 23 of 1,563,838 alleles (0.0015%); highest among the groups gnomAD compares: African/African-American, 0.004%; no homozygotes.

Submissions (2):

Ambry Genetics
Classification: Uncertain significance for Inborn genetic diseases. Last evaluated: 2025-10-15. Review status: criteria provided, single submitter. Criteria: Ambry Variant Classification Scheme 2023. Collection method: clinical testing. Allele origin: germline.

PreventionGenetics, part of Exact Sciences
Classification: Uncertain significance for SPEN-related condition. Last evaluated: 2022-08-25. Review status: criteria provided, single submitter. Criteria: ACMG Guidelines, 2015. Collection method: clinical testing. Allele origin: germline.
Comment: The SPEN c.9979G>A variant is predicted to result in the amino acid substitution p.Ala3327Thr. To our knowledge, this variant has not been reported in the literature. This variant is reported in 0.0010% of alleles in individuals of European (Non-Finnish) descent in gnomAD. At this time, the clinical significance of this variant is uncertain due to the absence of conclusive functional and genetic evidence.